The following is an entry in ClinVar:

NM_000532.5(PCCB):c.337C>T (p.Arg113Ter)

Gene: PCCB (propionyl-CoA carboxylase subunit beta; plus strand). Cytogenetic location: 3q22.3.
Variant type: single nucleotide variant.
Coding change: c.337C>T on transcript NM_000532.5 (MANE Select); coding-DNA position 337, C replaced by T.
Protein change: p.Arg113Ter; replaces arginine 113 with a stop codon.
Molecular consequence: nonsense.
Genome position (GRCh38, 1-based): chr3:136,256,588, C>T. VCF-style: chr3-136256588-C-T. GRCh37 (hg19) VCF-style: chr3-135975430-C-T.
Other names: c.337C>T, p.Arg113Ter (NM_001178014.2); c.337C>T (NM_001178014.1); short protein forms R113*.
Identifiers: ClinVar variation 265422 (VCV000265422.66), dbSNP rs186031457, ClinGen allele CA2631690.

ClinVar aggregate classification (germline): Pathogenic. Review status: criteria provided, multiple submitters, no conflicts (2 of 4 stars). 14 submissions from 14 submitters: Pathogenic (12). 2 of the submissions do not count toward it. Last evaluated 2026-01-24.

Conditions:
Propionic acidemia (PROP). Also called: GLYCINEMIA, KETOTIC; HYPERGLYCINEMIA WITH KETOACIDOSIS AND LEUKOPENIA; KETOTIC HYPERGLYCINEMIA. Identifiers: Orphanet 35, MedGen C0268579, MONDO:0011628, OMIM 606054, HP:0003571.
Abnormality of metabolism/homeostasis. Identifiers: MedGen C4021768, HP:0001939.

Allele frequency attached by ClinVar (database versions not stated): gnomAD 0.00001 and 0.00003; TOPMed 0.00002; gnomAD exomes 0.00003 and 0.00005; ExAC 0.00004; 1000 Genomes Project 30x 0.00016; 1000 Genomes Project 0.00020.

Submissions (14):

Labcorp Genetics (formerly Invitae), Labcorp
Classification: Pathogenic for Propionic acidemia. Last evaluated: 2026-01-24. Review status: criteria provided, single submitter. Criteria: Invitae Variant Classification Sherloc (09022015). Collection method: clinical testing. Allele origin: germline.
Comment: This sequence change creates a premature translational stop signal (p.Arg113*) in the PCCB gene. It is expected to result in an absent or disrupted protein product. Loss-of-function variants in PCCB are known to be pathogenic (PMID: 15464417). This variant is present in population databases (rs186031457, gnomAD 0.01%). This premature translational stop signal has been observed in individuals with propionic acidemia (PMID: 22033733). ClinVar contains an entry for this variant (Variation ID: 265422). For these reasons, this variant has been classified as Pathogenic.

Natera, Inc.
Classification: Pathogenic for Propionic acidemia. Last evaluated: 2025-08-08. Review status: criteria provided, single submitter. Criteria: Natera Variant Classification Schema (03/2026). Collection method: clinical testing. Allele origin: germline.
Comment: The c.337C>T variant in PCCB is a nonsense variant predicted to introduce a stop codon at amino acid 113. This variant is expected to result in nonsense mediated decay, truncation, or a dysfunctional protein product. This variant is rare in the general population with a frequency below the threshold expected for the associated phenotype(s). This variant has been observed in one or more individuals affected with the associated recessive disease, as either homozygous or compound heterozygous with a second variant (PMID: 22033733). Given the available evidence, this variant is classified as Pathogenic.

Fulgent Genetics
Classification: Pathogenic for Propionic acidemia. Last evaluated: 2024-04-03. Review status: criteria provided, single submitter. Criteria: ACMG Guidelines, 2015. Collection method: clinical testing. Allele origin: germline.

Baylor Genetics
Classification: Pathogenic for Propionic acidemia. Last evaluated: 2024-03-30. Review status: criteria provided, single submitter. Criteria: ACMG Guidelines, 2015. Collection method: clinical testing. Allele origin: unknown.

3billion
Classification: Pathogenic for Propionic acidemia. Last evaluated: 2023-02-23. Review status: criteria provided, single submitter. Criteria: ACMG Guidelines, 2015. Collection method: clinical testing. Allele origin: unknown. Affected: yes.
Comment: The variant is observed at an extremely low frequency in the gnomAD v2.1.1 dataset (total allele frequency: 0.003%). This variant was predicted to result in a loss or disruption of normal protein function through nonsense-mediated decay (NMD) or protein truncation. Multiple pathogenic variants are reported downstream of the variant. The variant has been reported at least twice as pathogenic with clinical assertions and evidence for the classification (ClinVar ID: VCV000265422 / PMID: 17415538). Therefore, this variant is classified as Pathogenic according to the recommendation of ACMG/AMP guideline.

GeneDx
Classification: Pathogenic. Last evaluated: 2023-01-12. Review status: criteria provided, single submitter. Criteria: GeneDx Variant Classification Process June 2021. Collection method: clinical testing. Allele origin: germline. Affected: yes.
Comment: Functional studies of this variant found that it results in a truncated protein (Snchez-Alcudia et al. 2012); Nonsense variant predicted to result in protein truncation or nonsense mediated decay in a gene for which loss-of-function is a known mechanism of disease; Not observed at significant frequency in large population cohorts (gnomAD); This variant is associated with the following publications: (PMID: 30609409, 25525159, 17415538, 22033733, 33981581, 22334403)

Dasa
Classification: Pathogenic for Propionic acidemia. Last evaluated: 2022-04-10. Review status: criteria provided, single submitter. Criteria: ACMG Guidelines, 2015. Collection method: clinical testing. Allele origin: germline. Affected: yes. Observed: 1 variant allele.
Comment: The c.337C>T;p.(Arg113*) variant creates a premature translational stop signal in the PCCB gene. It is expected to result in an absent or disrupted protein product -PVS1. This sequence change has been observed in affected individual(s) and ClinVar contains an entry for this variant (ClinVar ID: 265422; PMID: 17415538; 22334403; 22033733; 30705822; 31916709) - PS4. The variant is present at low allele frequencies population databases (rs186031457 – gnomAD 0.0002631%; ABraOM no frequency) - PM2_supporting. The p.(Arg113*) was detected in trans with a pathogenic variant (PMID: 17415538; 22033733; 31916709). PM3. In summary, the currently available evidence indicates that the variant is pathogenic.

Kariminejad - Najmabadi Pathology & Genetics Center
Classification: Pathogenic for Abnormality of metabolism/homeostasis. Last evaluated: 2021-07-10. Review status: criteria provided, single submitter. Criteria: ACMG Guidelines, 2015. Collection method: clinical testing. Allele origin: germline.

Genomic Research Center, Shahid Beheshti University of Medical Sciences
Classification: Pathogenic for Propionic acidemia. Last evaluated: 2020-05-03. Review status: criteria provided, single submitter. Criteria: ACMG Guidelines, 2015. Collection method: clinical testing. Allele origin: unknown. Affected: yes.

Women's Health and Genetics/Laboratory Corporation of America, LabCorp
Classification: Pathogenic for Propionic acidemia. Last evaluated: 2019-01-07. Review status: criteria provided, single submitter. Criteria: LabCorp Variant Classification Summary - May 2015. Collection method: clinical testing. Allele origin: germline.
Comment: Variant summary: PCCB c.337C>T (p.Arg113X) results in a premature termination codon, predicted to cause a truncation of the encoded protein or absence of the protein due to nonsense mediated decay, which are commonly known mechanisms for disease. The variant allele was found at a frequency of 2.8e-05 in 246256 control chromosomes (gnomAD). c.337C>T has been reported in the literature in multiple individuals affected with Propionic Acidemia (Brosch_2008, Cheng_2017, Kraus_2012, Sanchez-Alcudia_2012). These data indicate that the variant is very likely to be associated with disease. At least one publication reports experimental evidence evaluating an impact on protein function (Kraus_2012, Sanchez-Alcudia_2012). The most pronounced variant effect results in <10% of normal activity. Three ClinVar submissions from clinical diagnostic laboratories (evaluation after 2014) cite the variant as pathogenic. Based on the evidence outlined above, the variant was classified as pathogenic.

Laboratory for Molecular Medicine, Mass General Brigham Personalized Medicine
Classification: Pathogenic for Propionic acidemia. Last evaluated: 2015-12-08. Review status: criteria provided, single submitter. Criteria: LMM Criteria. Collection method: clinical testing. Allele origin: germline. Observed: 1 variant allele.
Comment: The p.Arg113X variant in PCCB has been reported in one individual with propionic acidemia (Brosch 2008) and has been identified in 3/66722 of European chromosom es by the Exome Aggregation Consortium (ExAC; db SNP rs186031457). This nonsense variant leads to a premature termination codon a t position 113, which is predicted to lead to a truncated or absent protein. Los s of function of the PCCB gene is an established disease mechanism in individual s with propionic acidemia. In summary, this variant meets our criteria to be cla ssified as pathogenic for propionic acidemia in an autosomal recessive manner ba sed upon its predicted impact on protein function.

Juno Genomics, Hangzhou Juno Genomics, Inc
Classification: Pathogenic for Propionic acidemia. Review status: criteria provided, single submitter. Criteria: ACMG Guidelines, 2015. Collection method: clinical testing. Allele origin: germline.
Comment: Absent from controls (or at extremely low frequency if recessive) in Genome Aggregation Database.;Null variant in a gene where loss of function (LOF) is a known mechanism of disease.;For recessive disorders, detected in trans with a pathogenic variant.;Patient's phenotype or family history is highly specific for a disease with a single genetic etiology.

Clinical Laboratory Sciences Program (CLSP), King Saud bin Abdulaziz University for Health Sciences (KSAU-HS)
Classification: Pathogenic for Propionic acidemia. Last evaluated: 2023-04-01. Review status: no assertion criteria provided. Collection method: clinical testing. Allele origin: germline. Affected: yes. Not counted in ClinVar's aggregate classification.

Counsyl
Classification: Pathogenic for Propionic acidemia. Last evaluated: 2018-01-08. Review status: no assertion criteria provided. Collection method: clinical testing. Allele origin: unknown. Not counted in ClinVar's aggregate classification.

Literature cited by the submitters: PubMed 15464417 (cited by Labcorp Genetics (formerly Invitae), Labcorp); PubMed 22033733 (cited by 5 submitters); PubMed 17415538 (cited by 4 submitters); PubMed 22334403 (cited by 3 submitters); PubMed 30705822 (cited by Dasa); PubMed 31916709 (cited by Dasa).